The following is an entry in ClinVar:

ClinVar aggregate classification (germline): Conflicting classifications of pathogenicity. Review status: criteria provided, conflicting classifications (1 of 4 stars). 2 submissions from 2 submitters: Uncertain significance (1); Likely benign (1). Last evaluated 2024-03-19.

Allele frequency attached by ClinVar (database versions not stated): ExAC 0.00001; gnomAD exomes 0.00001; gnomAD 0.00002.
gnomAD v4.1: 18 of 1,611,874 alleles (0.0011%); highest among the groups gnomAD compares: South Asian, 0.0033%; no homozygotes.

Submissions (2):

Ambry Genetics
Classification: Uncertain significance. Last evaluated: 2024-03-19. Review status: criteria provided, single submitter. Criteria: Ambry Variant Classification Scheme 2023. Collection method: clinical testing. Allele origin: germline.

CeGaT Center for Human Genetics Tuebingen
Classification: Likely benign. Last evaluated: 2022-04-01. Review status: criteria provided, single submitter. Criteria: CeGaT Center For Human Genetics Tuebingen Variant Classification Criteria Version 2. Collection method: clinical testing. Allele origin: germline. Affected: yes. Observed: 1 variant allele.
Comment: FLG2: BP4

NM_001014342.3(FLG2):c.6020A>G (p.His2007Arg)

Genes: CCDST (cervical cancer associated DHX9 suppressive transcript; plus strand), FLG2 (filaggrin 2; minus strand). Cytogenetic location: 1q21.3.
Variant type: single nucleotide variant.
Coding change: c.6020A>G on transcript NM_001014342.3 (MANE Select); coding-DNA position 6020, A replaced by G.
Protein change: p.His2007Arg; replaces histidine 2007 with arginine.
Molecular consequence: missense variant.
Genome position (GRCh38, 1-based): chr1:152,351,766, T>C on the plus strand (A>G on the coding strand, the complement: FLG2 is on the minus strand). VCF-style: chr1-152351766-T-C. GRCh37 (hg19) VCF-style: chr1-152324242-T-C.
Other names: c.6020A>G (NM_001014342.2); short protein forms H2007R.
Identifiers: ClinVar variation 2639334 (VCV002639334.25), dbSNP rs762900875, ClinGen allele CA1108380.